The following is an entry in ClinVar:

NM_152564.5(VPS13B):c.11392+9G>A

Gene: VPS13B (vacuolar protein sorting 13 homolog B; plus strand). Cytogenetic location: 8q22.2.
Variant type: single nucleotide variant.
Coding change: c.11392+9G>A on transcript NM_152564.5 (MANE Select); 9 bases into the intron after coding-DNA position 11392, G replaced by A.
Molecular consequence: intron variant.
Genome position (GRCh38, 1-based): chr8:99,868,474, G>A. VCF-style: chr8-99868474-G-A. GRCh37 (hg19) VCF-style: chr8-100880702-G-A.
Other names: c.11467+9G>A (NM_017890.5).
Identifiers: ClinVar variation 3356796 (VCV003356796.1).

ClinVar aggregate classification (germline): Likely benign (0 of 4 stars; one submission).

Conditions:
VPS13B-related disorder. Also called: VPS13B-related condition.

Submission:

PreventionGenetics, part of Exact Sciences
Classification: Likely benign for VPS13B-related condition. Last evaluated: 2022-12-22. Review status: no assertion criteria provided. Collection method: clinical testing. Allele origin: germline.
Comment: This variant is classified as likely benign based on ACMG/AMP sequence variant interpretation guidelines (Richards et al. 2015 PMID: 25741868, with internal and published modifications).